The following is an entry in ClinVar:

NM_012186.3(FOXE3):c.579C>G (p.Pro193=)

Genes: FOXE3 (forkhead box E3; plus strand), LINC01389 (long independently transcribed non-coding RNA 1389; minus strand). Cytogenetic location: 1p33.
Variant type: single nucleotide variant.
Coding change: c.579C>G on transcript NM_012186.3 (MANE Select); coding-DNA position 579, C replaced by G.
Protein change: p.Pro193=; no amino-acid change (proline 193 retained).
Molecular consequence: synonymous variant.
Genome position (GRCh38, 1-based): chr1:47,416,894, C>G. VCF-style: chr1-47416894-C-G. GRCh37 (hg19) VCF-style: chr1-47882566-C-G.
Other names: c.579C>G (NM_012186.2).
Identifiers: ClinVar variation 1549749 (VCV001549749.12), dbSNP rs1174698590, ClinGen allele CA417892683.

ClinVar aggregate classification (germline): Likely benign. Review status: criteria provided, multiple submitters, no conflicts (2 of 4 stars). 3 submissions from 3 submitters: Likely benign (2). 1 of the submissions does not count toward it. Last evaluated 2025-04-21.

Conditions:
FOXE3-related disorder. Also called: FOXE3-related condition.
Anterior segment dysgenesis. Also called: Ocular anterior segment dysgenesis. Identifiers: Orphanet 88632, MedGen C1862839, MONDO:0019503, HP:0007700.
Congenital primary aphakia. Also called: ANTERIOR SEGMENT DYSGENESIS 2; Anterior segment dysgenesis 2, multiple subtypes. Identifiers: Orphanet 83461, MedGen C1853230, MONDO:0012456, OMIM 610256.
Cardiovascular phenotype. Identifiers: MedGen CN230736.

Allele frequency attached by ClinVar (database versions not stated): TOPMed below 0.00001; gnomAD 0.00001 and 0.00002.

Submissions (3):

Labcorp Genetics (formerly Invitae), Labcorp
Classification: Likely benign for Anterior segment dysgenesis; Congenital primary aphakia. Last evaluated: 2025-04-21. Review status: criteria provided, single submitter. Criteria: Invitae Variant Classification Sherloc (09022015). Collection method: clinical testing. Allele origin: germline.

Ambry Genetics
Classification: Likely benign for Cardiovascular phenotype. Last evaluated: 2022-11-02. Review status: criteria provided, single submitter. Criteria: Ambry Variant Classification Scheme 2023. Collection method: clinical testing. Allele origin: germline.

PreventionGenetics, part of Exact Sciences
Classification: Likely benign for FOXE3-related condition. Last evaluated: 2019-02-26. Review status: no assertion criteria provided. Collection method: clinical testing. Allele origin: germline. Not counted in ClinVar's aggregate classification.
Comment: This variant is classified as likely benign based on ACMG/AMP sequence variant interpretation guidelines (Richards et al. 2015 PMID: 25741868, with internal and published modifications).